The following is an entry in ClinVar:

ClinVar aggregate classification (germline): Uncertain significance. Review status: criteria provided, multiple submitters, no conflicts (2 of 4 stars). 2 submissions from 2 submitters: Uncertain significance (2). Last evaluated 2026-06-08.

Allele frequency attached by ClinVar (database versions not stated): TOPMed 0.00003; ExAC 0.00009; gnomAD exomes 0.00009; gnomAD 0.00002; ESP Exome Variant Server 0.00008.

Submissions (2):

Women's Health and Genetics/Laboratory Corporation of America, LabCorp
Classification: Uncertain significance. Last evaluated: 2026-06-08. Review status: criteria provided, single submitter. Criteria: LabCorp Variant Classification Summary - May 2015. Collection method: clinical testing. Allele origin: germline.
Comment: Variant summary: CFHR3 c.209T>C (p.Ile70Thr) results in a non-conservative amino acid change in the encoded protein sequence. Algorithms developed to predict the effect of missense changes on protein structure and function are either unavailable or do not agree on the potential impact of this missense change. The variant allele was found at a frequency of 8.2e-05 in 1529400 control chromosomes in the gnomAD database, including 25 homozygotes. This frequency is not significantly higher than estimated for disease-causing variants in CFHR3, allowing no conclusion about variant significance. c.209T>C has been observed in the homozygous state in an individual affected with atypical hemolytic uremic syndrome (Al Riyami_2023). However, this report does not provide unequivocal conclusions about association of the variant with disease. To our knowledge, no experimental evidence demonstrating an impact on protein function has been reported. The following publication has been ascertained in the context of this evaluation (PMID: 38317858). ClinVar contains an entry for this variant (Variation ID: 3143805). Based on the evidence outlined above, the variant was classified as VUS-possibly benign.

Ambry Genetics
Classification: Uncertain significance. Last evaluated: 2023-12-27. Review status: criteria provided, single submitter. Criteria: Ambry Variant Classification Scheme 2023. Collection method: clinical testing. Allele origin: germline.

Literature cited by the submitters: PubMed 38317858 (cited by Women's Health and Genetics/Laboratory Corporation of America, LabCorp).

NM_021023.6(CFHR3):c.209T>C (p.Ile70Thr)

Gene: CFHR3 (complement factor H related 3; plus strand). Cytogenetic location: 1q31.3.
Variant type: single nucleotide variant.
Coding change: c.209T>C on transcript NM_021023.6 (MANE Select); coding-DNA position 209, T replaced by C.
Protein change: p.Ile70Thr; replaces isoleucine 70 with threonine.
Molecular consequence: missense variant.
Genome position (GRCh38, 1-based): chr1:196,779,312, T>C. VCF-style: chr1-196779312-T-C. GRCh37 (hg19) VCF-style: chr1-196748442-T-C.
Other names: c.209T>C, p.Ile70Thr (NM_001166624.2); short protein forms I70T.
Identifiers: ClinVar variation 3143805 (VCV003143805.2), dbSNP rs148709851, ClinGen allele CA1306082.